The following is an entry in ClinVar:

ClinVar aggregate classification (germline): Pathogenic (1 of 4 stars; one submission).

Conditions:
Hereditary cancer-predisposing syndrome. Also called: Hereditary Cancer Syndrome; Hereditary neoplastic syndrome; Neoplastic Syndromes, Hereditary; Tumor predisposition. Identifiers: Orphanet 140162, MedGen C0027672, MeSH D009386, MONDO:0015356.

Submission:

Ambry Genetics
Classification: Pathogenic for Hereditary cancer-predisposing syndrome. Last evaluated: 2023-03-22. Review status: criteria provided, single submitter. Criteria: Ambry Variant Classification Scheme 2023. Collection method: clinical testing. Allele origin: germline.
Comment: The p.K2160* pathogenic mutation (also known as c.6478A>T), located in coding exon 44 of the ATM gene, results from an A to T substitution at nucleotide position 6478. This changes the amino acid from a lysine to a stop codon within coding exon 44. This variant is considered to be rare based on population cohorts in the Genome Aggregation Database (gnomAD). This alteration is expected to result in loss of function by premature protein truncation or nonsense-mediated mRNA decay. As such, this alteration is interpreted as a disease-causing mutation.

NM_000051.4(ATM):c.6478A>T (p.Lys2160Ter)

Genes: ATM (ATM serine/threonine kinase; plus strand), C11orf65 (chromosome 11 open reading frame 65; minus strand). Cytogenetic location: 11q22.3.
Variant type: single nucleotide variant.
Coding change: c.6478A>T on transcript NM_000051.4 (MANE Select); coding-DNA position 6478, A replaced by T.
Protein change: p.Lys2160Ter; replaces lysine 2160 with a stop codon.
Molecular consequence: nonsense. On other transcripts: intron variant (2).
Genome position (GRCh38, 1-based): chr11:108,321,326, A>T. VCF-style: chr11-108321326-A-T. GRCh37 (hg19) VCF-style: chr11-108192053-A-T.
Other names: c.*39-12255T>A (NM_001351110.2); c.6478A>T, p.Lys2160Ter (NM_001351834.2); c.641-12255T>A (NM_001330368.2); short protein forms K2160*.
Identifiers: ClinVar variation 2568172 (VCV002568172.2), dbSNP rs2136239127, ClinGen allele CA382553948.